The following is an entry in ClinVar:

NM_001854.4(COL11A1):c.425A>G (p.His142Arg)

Gene: COL11A1 (collagen type XI alpha 1 chain; minus strand). Cytogenetic location: 1p21.1.
Variant type: single nucleotide variant.
Coding change: c.425A>G on transcript NM_001854.4 (MANE Select); coding-DNA position 425, A replaced by G.
Protein change: p.His142Arg; replaces histidine 142 with arginine.
Molecular consequence: missense variant. On other transcripts: non-coding transcript variant (1).
Genome position (GRCh38, 1-based): chr1:103,078,721, T>C on the plus strand (A>G on the coding strand, the complement: COL11A1 is on the minus strand). VCF-style: chr1-103078721-T-C. GRCh37 (hg19) VCF-style: chr1-103544277-T-C.
Other names: c.425A>G, p.His142Arg (NM_001190709.2, NM_080629.3, NM_080630.4); short protein forms H142R.
Identifiers: ClinVar variation 1493087 (VCV001493087.6), dbSNP rs1672171605, ClinGen allele CA341167762.
Genomic context (GRCh38, chr1:103,078,721, plus strand): 5'-CCGTCAGCGATGTTAACAGTTCTGAAGAGGGGATAGTCTTCTGGGGCAGGTTTTCCAGTG[T>C]GGTCTTCAAACAGAAAAACAGGTGATCTCCCAACCTCAACACCAATTTGCTGAATACCAT-3'
Protein context (NP_001845.3, residues 132-152): GRSPVFLFED[His142Arg]TGKPAPEDYP

ClinVar aggregate classification (germline): Uncertain significance (1 of 4 stars; one submission).

Allele frequency attached by ClinVar (database versions not stated): gnomAD 0.00001.
gnomAD v4.1: 1 of 1,613,378 alleles (0.000062%); highest among the groups gnomAD compares: Admixed American, 0.0017%; no homozygotes.

Submission:

Labcorp Genetics (formerly Invitae), Labcorp
Classification: Uncertain significance. Last evaluated: 2024-04-03. Review status: criteria provided, single submitter. Criteria: Invitae Variant Classification Sherloc (09022015). Collection method: clinical testing. Allele origin: germline.
Comment: This sequence change replaces histidine, which is basic and polar, with arginine, which is basic and polar, at codon 142 of the COL11A1 protein (p.His142Arg). This variant is not present in population databases (gnomAD no frequency). This variant has not been reported in the literature in individuals affected with COL11A1-related conditions. ClinVar contains an entry for this variant (Variation ID: 1493087). Advanced modeling of protein sequence and biophysical properties (such as structural, functional, and spatial information, amino acid conservation, physicochemical variation, residue mobility, and thermodynamic stability) performed at Invitae indicates that this missense variant is not expected to disrupt COL11A1 protein function with a negative predictive value of 95%. In summary, the available evidence is currently insufficient to determine the role of this variant in disease. Therefore, it has been classified as a Variant of Uncertain Significance.